The following is an entry in ClinVar:

ClinVar aggregate classification (germline): Uncertain significance. Review status: criteria provided, multiple submitters, no conflicts (2 of 4 stars). 2 submissions from 2 submitters: Uncertain significance (2). Last evaluated 2023-10-17.

Conditions:
Neurofibromatosis, type 1 (NF1). Also called: Peripheral type neurofibromatosis; Neurofibromatosis, type I; VON RECKLINGHAUSEN DISEASE; NEUROFIBROMATOSIS, TYPE I, SOMATIC. Identifiers: Orphanet 636, MedGen C0027831, MONDO:0018975, OMIM 162200. Disease mechanism: loss of function.

Submissions (2):

Labcorp Genetics (formerly Invitae), Labcorp
Classification: Uncertain significance for Neurofibromatosis, type 1. Last evaluated: 2023-10-17. Review status: criteria provided, single submitter. Criteria: Invitae Variant Classification Sherloc (09022015). Collection method: clinical testing. Allele origin: germline.
Comment: This sequence change replaces leucine, which is neutral and non-polar, with arginine, which is basic and polar, at codon 1758 of the NF1 protein (p.Leu1758Arg). This variant is not present in population databases (gnomAD no frequency). This variant has not been reported in the literature in individuals affected with NF1-related conditions. ClinVar contains an entry for this variant (Variation ID: 1326059). Advanced modeling of protein sequence and biophysical properties (such as structural, functional, and spatial information, amino acid conservation, physicochemical variation, residue mobility, and thermodynamic stability) performed at Invitae indicates that this missense variant is expected to disrupt NF1 protein function. In summary, the available evidence is currently insufficient to determine the role of this variant in disease. Therefore, it has been classified as a Variant of Uncertain Significance.

GeneDx
Classification: Uncertain significance. Last evaluated: 2021-05-18. Review status: criteria provided, single submitter. Criteria: GeneDx Variant Classification Process June 2021. Collection method: clinical testing. Allele origin: germline. Affected: yes.
Comment: Not observed in large population cohorts (Lek et al., 2016); In silico analysis supports that this missense variant has a deleterious effect on protein structure/function; Has not been previously published as pathogenic or benign to our knowledge

NM_001042492.3(NF1):c.5336T>G (p.Leu1779Arg)

Gene: NF1 (neurofibromin 1; plus strand). Cytogenetic location: 17q11.2.
Variant type: single nucleotide variant.
Coding change: c.5336T>G on transcript NM_001042492.3 (MANE Select); coding-DNA position 5336, T replaced by G.
Protein change: p.Leu1779Arg; replaces leucine 1779 with arginine.
Molecular consequence: missense variant.
Genome position (GRCh38, 1-based): chr17:31,327,566, T>G. VCF-style: chr17-31327566-T-G. GRCh37 (hg19) VCF-style: chr17-29654584-T-G.
Other names: c.5273T>G, p.Leu1758Arg (NM_000267.4); short protein forms L1758R, L1779R.
Identifiers: ClinVar variation 1326059 (VCV001326059.5), dbSNP rs2151541015, ClinGen allele CA399009191.